The following is an entry in ClinVar:

NM_001171.6(ABCC6):c.3952G>A (p.Ala1318Thr)

Gene: ABCC6 (ATP binding cassette subfamily C member 6; minus strand). Cytogenetic location: 16p13.11.
Variant type: single nucleotide variant.
Coding change: c.3952G>A on transcript NM_001171.6 (MANE Select); coding-DNA position 3952, G replaced by A.
Protein change: p.Ala1318Thr; replaces alanine 1318 with threonine.
Molecular consequence: missense variant. On other transcripts: non-coding transcript variant (1).
Genome position (GRCh38, 1-based): chr16:16,154,962, C>T on the plus strand (G>A on the coding strand, the complement: ABCC6 is on the minus strand). VCF-style: chr16-16154962-C-T. GRCh37 (hg19) VCF-style: chr16-16248819-C-T.
Other names: c.3610G>A, p.Ala1204Thr (NM_001351800.1); short protein forms A1204T, A1318T.
Identifiers: ClinVar variation 1033355 (VCV001033355.1), dbSNP rs2046496590, ClinGen allele CA394875772.

ClinVar aggregate classification (germline): Uncertain significance (1 of 4 stars; one submission).

Conditions:
Arterial calcification, generalized, of infancy, 2. Identifiers: Orphanet 51608, MedGen C3276161, MONDO:0013768, OMIM 614473.

Allele frequency attached by ClinVar (database versions not stated): gnomAD exomes below 0.00001.
gnomAD v4.1: 1 of 1,583,172 alleles (0.000063%); highest among the groups gnomAD compares: South Asian, 0.0012%; no homozygotes.

Submission:

Baylor Genetics
Classification: Uncertain significance for Arterial calcification, generalized, of infancy, 2. Last evaluated: 2018-04-30. Review status: criteria provided, single submitter. Criteria: ACMG Guidelines, 2015. Collection method: clinical testing. Allele origin: unknown. Affected: yes.
Comment: This variant was determined to be of uncertain significance according to ACMG Guidelines, 2015 [PMID:25741868].